The following is an entry in ClinVar:

NM_004369.4(COL6A3):c.8473G>A (p.Ala2825Thr)

Gene: COL6A3 (collagen type VI alpha 3 chain; minus strand). Cytogenetic location: 2q37.3.
Variant type: single nucleotide variant.
Coding change: c.8473G>A on transcript NM_004369.4 (MANE Select); coding-DNA position 8473, G replaced by A.
Protein change: p.Ala2825Thr; replaces alanine 2825 with threonine.
Molecular consequence: missense variant.
Genome position (GRCh38, 1-based): chr2:237,339,109, C>T on the plus strand (G>A on the coding strand, the complement: COL6A3 is on the minus strand). VCF-style: chr2-237339109-C-T. GRCh37 (hg19) VCF-style: chr2-238247752-C-T.
Other names: c.6652G>A, p.Ala2218Thr (NM_057166.5); c.7855G>A, p.Ala2619Thr (NM_057167.4); short protein forms A2218T, A2619T, A2825T.
Identifiers: ClinVar variation 4741430 (VCV004741430.1).
Genomic context (GRCh38, chr2:237,339,109, plus strand): 5'-TGGGTTGGTCCCCTTGGAACCAATCACACTGTTTCCTGATATCTGGGGACAAGTAAAAAG[C>T]ATTTTCACCTAAAGAAAAAAAACAAAGAAAACAATTGAACCGCATGCTAATAACATGAAA-3'
Protein context (NP_004360.2, residues 2815-2835): LLPSFVSSEN[Ala2825Thr]FYLSPDIRKQ

ClinVar aggregate classification (germline): Uncertain significance (1 of 4 stars; one submission).

Conditions:
Bethlem myopathy 1A. Also called: MYOPATHY, BENIGN CONGENITAL, WITH CONTRACTURES; Bethlem myopathy 1; Bethlem Muscular Dystrophy. Identifiers: Orphanet 610, MedGen CN029274, MONDO:0024530, OMIM 158810.

Submission:

Labcorp Genetics (formerly Invitae), Labcorp
Classification: Uncertain significance for Bethlem myopathy 1A. Last evaluated: 2025-02-19. Review status: criteria provided, single submitter. Criteria: Invitae Variant Classification Sherloc (09022015). Collection method: clinical testing. Allele origin: germline.
Comment: This sequence change replaces alanine, which is neutral and non-polar, with threonine, which is neutral and polar, at codon 2825 of the COL6A3 protein (p.Ala2825Thr). This variant is not present in population databases (gnomAD no frequency). This variant has not been reported in the literature in individuals affected with COL6A3-related conditions. Invitae Evidence Modeling of protein sequence and biophysical properties (such as structural, functional, and spatial information, amino acid conservation, physicochemical variation, residue mobility, and thermodynamic stability) indicates that this missense variant is not expected to disrupt COL6A3 protein function with a negative predictive value of 80%. In summary, the available evidence is currently insufficient to determine the role of this variant in disease. Therefore, it has been classified as a Variant of Uncertain Significance.